The following is an entry in ClinVar:

NM_005604.4(POU3F2):c.1212C>A (p.Asn404Lys)

Gene: POU3F2 (POU class 3 homeobox 2; plus strand). Cytogenetic location: 6q16.1.
Variant type: single nucleotide variant.
Coding change: c.1212C>A on transcript NM_005604.4 (MANE Select); coding-DNA position 1212, C replaced by A.
Protein change: p.Asn404Lys; replaces asparagine 404 with lysine.
Molecular consequence: missense variant.
Genome position (GRCh38, 1-based): chr6:98,836,085, C>A. VCF-style: chr6-98836085-C-A. GRCh37 (hg19) VCF-style: chr6-99283961-C-A.
Other names: c.1212C>A (NM_005604.3); short protein forms N404K.
Identifiers: ClinVar variation 3777113 (VCV003777113.1).

ClinVar aggregate classification (germline): Uncertain significance (1 of 4 stars; one submission).

Conditions:
POU3F2-related disorder. Also called: POU3F2-related condition.

Submission:

University of Washington Department of Laboratory Medicine, University of Washington
Classification: Uncertain significance for POU3F2-related disorder. Last evaluated: 2022-03-18. Review status: criteria provided, single submitter. Criteria: ACMG Guidelines, 2015. Collection method: clinical testing. Allele origin: de novo. Affected: yes.
Comment: This variant was absent from large population databases, including the Genome Aggregation Database. The p.Asn404Lys variant is located within the POU-homeodomain of the POU3F2 protein. This domain has fewer missense variants in the general population than expected, suggesting that this region is intolerant to missense variation. A different amino acid change at the equivalent asparagine residue in the POU-homeodomain of the POU3F3 gene (p.Asn456Ser), a closely related co-expressed ortholog to the POU3F2 gene, has previously been reported de novo in an individual with POU3F3-related neurodevelopmental disorder (Snijders Blok 2019). This suggests that the p.Asn404 residue in the POU3F2 gene may be critical for protein function. In silico tools predict that this variant is deleterious; however, these predictions have not been tested directly. Using ACMG guidelines, this variant was classified as a variant of uncertain significance (ACMG evidence codes used: PS2_supporting, PM2_supporting, PP3).